The following is an entry in ClinVar:

ClinVar aggregate classification (germline): Uncertain significance (1 of 4 stars; one submission).

Submission:

Ambry Genetics
Classification: Uncertain significance. Last evaluated: 2022-02-17. Review status: criteria provided, single submitter. Criteria: Ambry Variant Classification Scheme 2023. Collection method: clinical testing. Allele origin: germline.
Comment: The p.I772V variant (also known as c.2314A>G), located in coding exon 13 of the NPAT gene, results from an A to G substitution at nucleotide position 2314. The isoleucine at codon 772 is replaced by valine, an amino acid with highly similar properties. This amino acid position is conserved. In addition, this alteration is predicted to be tolerated by in silico analysis. Since supporting evidence is limited at this time, the clinical significance of this alteration remains unclear.

NM_002519.3(NPAT):c.2314A>G (p.Ile772Val)

Gene: NPAT (nuclear protein, coactivator of histone transcription; minus strand). Cytogenetic location: 11q22.3.
Variant type: single nucleotide variant.
Coding change: c.2314A>G on transcript NM_002519.3 (MANE Select); coding-DNA position 2314, A replaced by G.
Protein change: p.Ile772Val; replaces isoleucine 772 with valine.
Molecular consequence: missense variant.
Genome position (GRCh38, 1-based): chr11:108,172,670, T>C on the plus strand (A>G on the coding strand, the complement: NPAT is on the minus strand). VCF-style: chr11-108172670-T-C. GRCh37 (hg19) VCF-style: chr11-108043397-T-C.
Other names: c.2314A>G, p.Ile772Val (NM_001321307.1); short protein forms I772V.
Identifiers: ClinVar variation 1789475 (VCV001789475.2), dbSNP rs2496717736, ClinGen allele CA382513239.